The following is an entry in ClinVar:

NM_018972.4(GDAP1):c.169A>C (p.Ser57Arg)

Gene: GDAP1 (ganglioside induced differentiation associated protein 1; plus strand). Cytogenetic location: 8q21.11.
Variant type: single nucleotide variant.
Coding change: c.169A>C on transcript NM_018972.4 (MANE Select); coding-DNA position 169, A replaced by C.
Protein change: p.Ser57Arg; replaces serine 57 with arginine.
Molecular consequence: missense variant. On other transcripts: 5 prime UTR variant (1), intron variant (2).
Genome position (GRCh38, 1-based): chr8:74,351,325, A>C. VCF-style: chr8-74351325-A-C. GRCh37 (hg19) VCF-style: chr8-75263560-A-C.
Other names: p.Ser57Arg; c.-36A>C (NM_001040875.4); c.169A>C, p.Ser57Arg (NM_001362930.2, NM_001362931.2); c.-18+4A>C (NM_001362929.2); c.-18+747A>C (NM_001362932.2); short protein forms S57R.
Identifiers: ClinVar variation 216706 (VCV000216706.12), dbSNP rs863224774, ClinGen allele CA337950.

ClinVar aggregate classification (germline): Conflicting classifications of pathogenicity. Review status: criteria provided, conflicting classifications (1 of 4 stars). 2 submissions from 2 submitters: Likely pathogenic (1); Uncertain significance (1). Last evaluated 2024-07-16.

Conditions:
Charcot-Marie-Tooth disease type 4A. Also called: Charcot-Marie-Tooth disease, demyelinating, autosomal recessive, type 4a. Identifiers: Orphanet 99948, MedGen C1859198, MONDO:0008961, OMIM 214400.

Submissions (2):

Labcorp Genetics (formerly Invitae), Labcorp
Classification: Likely pathogenic for Charcot-Marie-Tooth disease type 4A. Last evaluated: 2024-07-16. Review status: criteria provided, single submitter. Criteria: Invitae Variant Classification Sherloc (09022015). Collection method: clinical testing. Allele origin: germline.
Comment: This sequence change replaces serine, which is neutral and polar, with arginine, which is basic and polar, at codon 57 of the GDAP1 protein (p.Ser57Arg). This variant is not present in population databases (gnomAD no frequency). This missense change has been observed in individuals with Charcot-Marie-Tooth disease (Inviate). It has also been observed to segregate with disease in related individuals. ClinVar contains an entry for this variant (Variation ID: 216706). An algorithm developed to predict the effect of missense changes on protein structure and function (PolyPhen-2) suggests that this variant is likely to be disruptive. In summary, the currently available evidence indicates that the variant is pathogenic, but additional data are needed to prove that conclusively. Therefore, this variant has been classified as Likely Pathogenic.

Mayo Clinic Laboratories, Mayo Clinic
Classification: Uncertain significance. Last evaluated: 2021-04-15. Review status: criteria provided, single submitter. Criteria: ACMG Guidelines, 2015. Collection method: clinical testing. Allele origin: germline.